The following is an entry in ClinVar:

ClinVar aggregate classification (germline): Uncertain significance. Review status: criteria provided, multiple submitters, no conflicts (2 of 4 stars). 5 submissions from 5 submitters: Uncertain significance (4). 1 of the submissions does not count toward it. Last evaluated 2025-12-29.

Conditions:
CYP7A1-related disorder. Also called: CYP7A1-related condition.

Allele frequency attached by ClinVar (database versions not stated): 1000 Genomes Project 30x 0.00016; gnomAD 0.00016 and 0.00019; gnomAD exomes 0.00019 and 0.00027; 1000 Genomes Project 0.00020; ESP Exome Variant Server 0.00023; TOPMed 0.00025; ExAC 0.00039.

Submissions (5):

Labcorp Genetics (formerly Invitae), Labcorp
Classification: Uncertain significance. Last evaluated: 2025-12-29. Review status: criteria provided, single submitter. Criteria: Invitae Variant Classification Sherloc (09022015). Collection method: clinical testing. Allele origin: germline.
Comment: This sequence change replaces asparagine, which is neutral and polar, with lysine, which is basic and polar, at codon 36 of the CYP7A1 protein (p.Asn36Lys). This variant is present in population databases (rs138113674, gnomAD 0.09%), and has an allele count higher than expected for a pathogenic variant. This variant has not been reported in the literature in individuals affected with CYP7A1-related conditions. ClinVar contains an entry for this variant (Variation ID: 286998). Invitae Evidence Modeling of protein sequence and biophysical properties (such as structural, functional, and spatial information, amino acid conservation, physicochemical variation, residue mobility, and thermodynamic stability) indicates that this missense variant is not expected to disrupt CYP7A1 protein function with a negative predictive value of 80%. In summary, the available evidence is currently insufficient to determine the role of this variant in disease. Therefore, it has been classified as a Variant of Uncertain Significance.

Mayo Clinic Laboratories, Mayo Clinic
Classification: Uncertain significance. Last evaluated: 2025-02-25. Review status: criteria provided, single submitter. Criteria: ACMG Guidelines, 2015. Collection method: clinical testing. Allele origin: germline. Observed: 1 variant allele.
Comment: BP4_moderate, PM2_supporting

Eurofins Ntd Llc (ga)
Classification: Uncertain significance. Last evaluated: 2018-07-05. Review status: criteria provided, single submitter. Criteria: EGL ClinVar v180209 classification definitions. Collection method: clinical testing. Allele origin: germline. Observed: 3 variant alleles, 3 heterozygotes.

Breakthrough Genomics
Classification: Uncertain significance. Review status: criteria provided, single submitter. Criteria: ACMG Guidelines, 2015. Collection method: not provided. Allele origin: germline. Inheritance: Autosomal recessive inheritance. Affected: yes.

PreventionGenetics, part of Exact Sciences
Classification: Uncertain significance for CYP7A1-related condition. Last evaluated: 2024-07-11. Review status: no assertion criteria provided. Collection method: clinical testing. Allele origin: germline. Not counted in ClinVar's aggregate classification.
Comment: The CYP7A1 c.108T>A variant is predicted to result in the amino acid substitution p.Asn36Lys. To our knowledge, this variant has not been reported in the literature. This variant is reported in 0.068% of alleles in individuals of Ashkenazi Jewish descent in gnomAD. Although we suspect that this variant may be benign, at this time, the clinical significance of this variant is uncertain due to the absence of conclusive functional and genetic evidence.

NM_000780.4(CYP7A1):c.108T>A (p.Asn36Lys)

Gene: CYP7A1 (cytochrome P450 family 7 subfamily A member 1; minus strand). Cytogenetic location: 8q12.1.
Variant type: single nucleotide variant.
Coding change: c.108T>A on transcript NM_000780.4 (MANE Select); coding-DNA position 108, T replaced by A.
Protein change: p.Asn36Lys; replaces asparagine 36 with lysine.
Molecular consequence: missense variant.
Genome position (GRCh38, 1-based): chr8:58,498,442, A>T on the plus strand (T>A on the coding strand, the complement: CYP7A1 is on the minus strand). VCF-style: chr8-58498442-A-T. GRCh37 (hg19) VCF-style: chr8-59411001-A-T.
Other names: p.Asn36Lys; c.108T>A (NM_000780.3); short protein forms N36K.
Identifiers: ClinVar variation 286998 (VCV000286998.13), dbSNP rs138113674, ClinGen allele CA4756875.